The following is an entry in ClinVar:

NM_000117.3(EMD):c.409G>A (p.Asp137Asn)

Gene: EMD (emerin; plus strand). Cytogenetic location: Xq28.
Variant type: single nucleotide variant.
Coding change: c.409G>A on transcript NM_000117.3 (MANE Select); coding-DNA position 409, G replaced by A.
Protein change: p.Asp137Asn; replaces aspartic acid 137 with asparagine.
Molecular consequence: missense variant.
Genome position (GRCh38, 1-based): chrX:154,380,762, G>A. VCF-style: chrX-154380762-G-A. GRCh37 (hg19) VCF-style: chrX-153609122-G-A.
Other names: short protein forms D137N.
Identifiers: ClinVar variation 3686361 (VCV003686361.2).

ClinVar aggregate classification (germline): Uncertain significance (1 of 4 stars; one submission).

Conditions:
X-linked Emery-Dreifuss muscular dystrophy. Also called: Muscular dystrophy, tardive Emery-Dreifuss type, with contractures. Identifiers: Orphanet 261, Orphanet 98863, MedGen C0751337, MONDO:0010680.

Submission:

Labcorp Genetics (formerly Invitae), Labcorp
Classification: Uncertain significance for X-linked Emery-Dreifuss muscular dystrophy. Last evaluated: 2024-08-12. Review status: criteria provided, single submitter. Criteria: Invitae Variant Classification Sherloc (09022015). Collection method: clinical testing. Allele origin: germline.
Comment: This sequence change replaces aspartic acid, which is acidic and polar, with asparagine, which is neutral and polar, at codon 137 of the EMD protein (p.Asp137Asn). This variant is not present in population databases (gnomAD no frequency). This variant has not been reported in the literature in individuals affected with EMD-related conditions. Advanced modeling of protein sequence and biophysical properties (such as structural, functional, and spatial information, amino acid conservation, physicochemical variation, residue mobility, and thermodynamic stability) performed at Invitae indicates that this missense variant is not expected to disrupt EMD protein function with a negative predictive value of 80%. In summary, the available evidence is currently insufficient to determine the role of this variant in disease. Therefore, it has been classified as a Variant of Uncertain Significance.